The following is an entry in ClinVar:

ClinVar aggregate classification (germline): Uncertain significance (1 of 4 stars; one submission).

Conditions:
Intellectual developmental disorder, X-linked 1. Also called: Intellectual disability, X-linked 1; Atkin Flaitz Patil Smith syndrome; MENTAL RETARDATION, X-LINKED 18; MENTAL RETARDATION, X-LINKED 78. Identifiers: Orphanet 777, MedGen C2931498, MONDO:0010656, OMIM 309530.

Allele frequency attached by ClinVar (database versions not stated): TOPMed 0.00001; gnomAD exomes below 0.00001.

Submission:

Labcorp Genetics (formerly Invitae), Labcorp
Classification: Uncertain significance for Intellectual developmental disorder, X-linked 1. Last evaluated: 2023-06-23. Review status: criteria provided, single submitter. Criteria: Invitae Variant Classification Sherloc (09022015). Collection method: clinical testing. Allele origin: germline.
Comment: This sequence change replaces proline, which is neutral and non-polar, with serine, which is neutral and polar, at codon 7 of the IQSEC2 protein (p.Pro7Ser). This variant is not present in population databases (gnomAD no frequency). This variant has not been reported in the literature in individuals affected with IQSEC2-related conditions. ClinVar contains an entry for this variant (Variation ID: 1445874). Advanced modeling of protein sequence and biophysical properties (such as structural, functional, and spatial information, amino acid conservation, physicochemical variation, residue mobility, and thermodynamic stability) performed at Invitae indicates that this missense variant is not expected to disrupt IQSEC2 protein function. In summary, the available evidence is currently insufficient to determine the role of this variant in disease. Therefore, it has been classified as a Variant of Uncertain Significance.

NM_001111125.3(IQSEC2):c.19C>T (p.Pro7Ser)

Gene: IQSEC2 (IQ motif and Sec7 domain ArfGEF 2; minus strand). Cytogenetic location: Xp11.22.
Variant type: single nucleotide variant.
Coding change: c.19C>T on transcript NM_001111125.3 (MANE Select); coding-DNA position 19, C replaced by T.
Protein change: p.Pro7Ser; replaces proline 7 with serine.
Molecular consequence: missense variant.
Genome position (GRCh38, 1-based): chrX:53,321,105, G>A on the plus strand (C>T on the coding strand, the complement: IQSEC2 is on the minus strand). VCF-style: chrX-53321105-G-A. GRCh37 (hg19) VCF-style: chrX-53350303-G-A.
Other names: short protein forms P7S.
Identifiers: ClinVar variation 1445874 (VCV001445874.6), dbSNP rs2075428522, ClinGen allele CA413240294.